The following is an entry in ClinVar:

NM_001161352.2(KCNMA1):c.1989C>T (p.Ile663=)

Gene: KCNMA1 (potassium calcium-activated channel subfamily M alpha 1; minus strand). Cytogenetic location: 10q22.3.
Variant type: single nucleotide variant.
Coding change: c.1989C>T on transcript NM_001161352.2 (MANE Select); coding-DNA position 1989, C replaced by T.
Protein change: p.Ile663=; no amino-acid change (isoleucine 663 retained).
Molecular consequence: synonymous variant.
Genome position (GRCh38, 1-based): chr10:77,019,039, G>A on the plus strand (C>T on the coding strand, the complement: KCNMA1 is on the minus strand). VCF-style: chr10-77019039-G-A. GRCh37 (hg19) VCF-style: chr10-78778797-G-A.
Other names: c.2001C>T, p.Ile667= (NM_001014797.3, NM_001322830.2, NM_001322835.2 and 1 more transcripts); c.1989C>T, p.Ile663= (NM_001161353.2, NM_001271519.2, NM_001322829.2 and 3 more transcripts); c.1839C>T, p.Ile613= (NM_001271518.2); c.1449C>T, p.Ile483= (NM_001322838.2).
Identifiers: ClinVar variation 1208963 (VCV001208963.15), dbSNP rs201919794, ClinGen allele CA5568266.

ClinVar aggregate classification (germline): Conflicting classifications of pathogenicity. Review status: criteria provided, conflicting classifications (1 of 4 stars). 3 submissions from 3 submitters: Uncertain significance (1); Likely benign (2). Last evaluated 2025-10-02.

Conditions:
Generalized epilepsy-paroxysmal dyskinesia syndrome (PNKD3). Also called: Paroxysmal nonkinesigenic dyskinesia, 3, with or without generalized epilepsy; Generalized epilepsy and paroxysmal dyskinesia. Identifiers: Orphanet 79137, MedGen C5574945, MONDO:0012276, OMIM 609446.

Allele frequency attached by ClinVar (database versions not stated): ExAC 0.00007.
gnomAD v4.1: 37 of 1,594,678 alleles (0.0023%); highest among the groups gnomAD compares: South Asian, 0.0077%; no homozygotes.

Submissions (3):

Labcorp Genetics (formerly Invitae), Labcorp
Classification: Likely benign for Generalized epilepsy-paroxysmal dyskinesia syndrome. Last evaluated: 2025-10-02. Review status: criteria provided, single submitter. Criteria: Invitae Variant Classification Sherloc (09022015). Collection method: clinical testing. Allele origin: germline.

GeneDx
Classification: Uncertain significance. Last evaluated: 2025-08-25. Review status: criteria provided, single submitter. Criteria: GeneDx Variant Classification Process June 2021. Collection method: clinical testing. Allele origin: germline. Affected: yes.
Comment: See Variant Classification Assertion Criteria.

Athena Diagnostics
Classification: Likely benign. Last evaluated: 2024-09-30. Review status: criteria provided, single submitter. Criteria: Athena Diagnostics Criteria. Collection method: clinical testing. Allele origin: unknown.